The following is an entry in ClinVar:

ClinVar aggregate classification (germline): Likely benign. Review status: criteria provided, multiple submitters, no conflicts (2 of 4 stars). 5 submissions from 5 submitters: Likely benign (5). Last evaluated 2025-12-02.

Conditions:
Inborn genetic diseases. Identifiers: MedGen C0950123, MeSH D030342.
SCN11A-related disorder. Also called: SCN11A-related condition.
Hereditary sensory and autonomic neuropathy type 7. Also called: Neuropathy, hereditary sensory and autonomic, type VII; HSAN VII. Identifiers: Orphanet 391397, MedGen C3809882, MONDO:0014244, OMIM 615548.
Familial episodic pain syndrome with predominantly lower limb involvement. Also called: Episodic pain syndrome, familial, 3. Identifiers: Orphanet 391384, Orphanet 391392, MedGen C3809899, MONDO:0014247, OMIM 615552.

Allele frequency attached by ClinVar (database versions not stated): ESP Exome Variant Server 0.00031; gnomAD 0.00016; gnomAD exomes 0.00018 and 0.00028; ExAC 0.00021; TOPMed 0.00025.
gnomAD v4.1: 447 of 1,614,144 alleles (0.028%); highest among the groups gnomAD compares: Non-Finnish European, 0.033%; no homozygotes.

Submissions (5):

Labcorp Genetics (formerly Invitae), Labcorp
Classification: Likely benign for Familial episodic pain syndrome with predominantly lower limb involvement; Hereditary sensory and autonomic neuropathy type 7. Last evaluated: 2025-12-02. Review status: criteria provided, single submitter. Criteria: Invitae Variant Classification Sherloc (09022015). Collection method: clinical testing. Allele origin: germline.

PreventionGenetics, part of Exact Sciences
Classification: Likely benign for SCN11A-related condition. Last evaluated: 2025-06-24. Review status: criteria provided, single submitter. Criteria: ACMG Guidelines, 2015. Collection method: clinical testing. Allele origin: germline.
Comment: This variant is classified as likely benign based on ACMG/AMP sequence variant interpretation guidelines (Richards et al. 2015 PMID: 25741868, with internal and published modifications).

CeGaT Center for Human Genetics Tuebingen
Classification: Likely benign. Last evaluated: 2024-08-01. Review status: criteria provided, single submitter. Criteria: CeGaT Center For Human Genetics Tuebingen Variant Classification Criteria Version 2. Collection method: clinical testing. Allele origin: germline. Affected: yes. Observed: 2 variant alleles.
Comment: SCN11A: BP4, BP7

Blueprint Genetics
Classification: Likely benign. Last evaluated: 2023-11-21. Review status: criteria provided, single submitter. Criteria: ACMG Guidelines, 2015. Collection method: clinical testing. Allele origin: germline.

Ambry Genetics
Classification: Likely benign for Inborn genetic diseases. Last evaluated: 2019-07-11. Review status: criteria provided, single submitter. Criteria: Ambry Variant Classification Scheme 2023. Collection method: clinical testing. Allele origin: germline.

NM_001349253.2(SCN11A):c.4977C>T (p.Val1659=)

Gene: SCN11A (sodium voltage-gated channel alpha subunit 11; minus strand). Cytogenetic location: 3p22.2.
Variant type: single nucleotide variant.
Coding change: c.4977C>T on transcript NM_001349253.2 (MANE Select); coding-DNA position 4977, C replaced by T.
Protein change: p.Val1659=; no amino-acid change (valine 1659 retained).
Molecular consequence: synonymous variant.
Genome position (GRCh38, 1-based): chr3:38,847,093, G>A on the plus strand (C>T on the coding strand, the complement: SCN11A is on the minus strand). VCF-style: chr3-38847093-G-A. GRCh37 (hg19) VCF-style: chr3-38888584-G-A.
Other names: c.4977C>T, p.Val1659= (NM_014139.3).
Identifiers: ClinVar variation 474739 (VCV000474739.35), dbSNP rs150087925, ClinGen allele CA2321427.